The following is an entry in ClinVar:

ClinVar aggregate classification (germline): Uncertain significance (1 of 4 stars; one submission).

gnomAD v4.1: 13 of 1,613,942 alleles (0.00081%); highest among the groups gnomAD compares: Non-Finnish European, 0.001%; no homozygotes.

Submission:

Women's Health and Genetics/Laboratory Corporation of America, LabCorp
Classification: Uncertain significance. Last evaluated: 2026-04-28. Review status: criteria provided, single submitter. Criteria: LabCorp Variant Classification Summary - May 2015. Collection method: clinical testing. Allele origin: germline.
Comment: Variant summary: MAP1B c.1190C>T (p.Pro397Leu) results in a non-conservative amino acid change in the encoded protein sequence. Algorithms developed to predict the effect of missense changes on protein structure and function are either unavailable or do not agree on the potential impact of this missense change. The variant allele was found at a frequency of 4e-06 in 251298 control chromosomes. The available data on variant occurrences in the general population are insufficient to allow any conclusion about variant significance. To our knowledge, no occurrence of c.1190C>T in individuals affected with MAP1B-related conditions and no experimental evidence demonstrating its impact on protein function have been reported. No submitters have cited clinical-significance assessments for this variant to ClinVar. Based on the evidence outlined above, the variant was classified as uncertain significance.

NM_005909.5(MAP1B):c.1190C>T (p.Pro397Leu)

Gene: MAP1B (microtubule associated protein 1B; plus strand). Cytogenetic location: 5q13.2.
Variant type: single nucleotide variant.
Coding change: c.1190C>T on transcript NM_005909.5 (MANE Select); coding-DNA position 1190, C replaced by T.
Protein change: p.Pro397Leu; replaces proline 397 with leucine.
Molecular consequence: missense variant.
Genome position (GRCh38, 1-based): chr5:72,194,545, C>T. VCF-style: chr5-72194545-C-T. GRCh37 (hg19) VCF-style: chr5-71490372-C-T.
Other names: c.812C>T, p.Pro271Leu (NM_001324255.2); short protein forms P271L, P397L.
Identifiers: ClinVar variation 4848859 (VCV004848859.1).